The following is an entry in ClinVar:

NM_000138.5(FBN1):c.1709G>C (p.Cys570Ser)

Gene: FBN1 (fibrillin 1; minus strand). Cytogenetic location: 15q21.1.
Variant type: single nucleotide variant.
Coding change: c.1709G>C on transcript NM_000138.5 (MANE Select); coding-DNA position 1709, G replaced by C.
Protein change: p.Cys570Ser; replaces cysteine 570 with serine.
Molecular consequence: missense variant.
Genome position (GRCh38, 1-based): chr15:48,510,049, C>G on the plus strand (G>C on the coding strand, the complement: FBN1 is on the minus strand). VCF-style: chr15-48510049-C-G. GRCh37 (hg19) VCF-style: chr15-48802246-C-G.
Other names: short protein forms C570S.
Identifiers: ClinVar variation 1458824 (VCV001458824.6), dbSNP rs1555400049, ClinGen allele CA392340924.

ClinVar aggregate classification (germline): Pathogenic (1 of 4 stars; one submission).

Conditions:
Marfan syndrome (MFS). Also called: MARFAN SYNDROME, TYPE I; Marfan syndrome type 1; Marfan's syndrome; Marfan syndrome, classic; FBN1-Related Marfan Syndrome. Identifiers: Orphanet 284963, Orphanet 558, MedGen C0024796, MONDO:0007947, OMIM 154700.
Familial thoracic aortic aneurysm and aortic dissection (TAAD). Also called: Thoracic aortic aneurysms and dissections. Identifiers: Orphanet 91387, MedGen C4707243, MONDO:0019625.

Submission:

Labcorp Genetics (formerly Invitae), Labcorp
Classification: Pathogenic for Marfan syndrome; Familial thoracic aortic aneurysm and aortic dissection. Last evaluated: 2021-08-03. Review status: criteria provided, single submitter. Criteria: Invitae Variant Classification Sherloc (09022015). Collection method: clinical testing. Allele origin: germline.
Comment: This missense change has been observed in individual(s) with clinical features of Marfan syndrome (PMID: 21907952). This sequence change replaces cysteine with serine at codon 570 of the FBN1 protein (p.Cys570Ser). The cysteine residue is highly conserved and there is a moderate physicochemical difference between cysteine and serine. This variant is not present in population databases (ExAC no frequency). Advanced modeling of protein sequence and biophysical properties (such as structural, functional, and spatial information, amino acid conservation, physicochemical variation, residue mobility, and thermodynamic stability) performed at Invitae indicates that this missense variant is expected to disrupt FBN1 protein function. This variant affects a cysteine residue in the EGF-like, TGFBP or hybrid motif domains of FBN1. Cysteine residues are believed to be involved in intramolecular disulfide bridges and have been shown to be important for FBN1 protein structure (PMID: 16905551, 19349279). In addition, missense substitutions affecting cysteine residues within these domains are significantly overrepresented among patients with Marfan syndrome (PMID: 16571647, 17701892). This variant disrupts the p.Cys570 amino acid residue in FBN1. Other variant(s) that disrupt this residue have been observed in individuals with FBN1-related conditions (PMID: 10486319, 11700157, 28944857; Invitae), which suggests that this may be a clinically significant amino acid residue. For these reasons, this variant has been classified as Pathogenic.

Literature cited by the submitters: PubMed 21907952; PubMed 16905551; PubMed 19349279; PubMed 16571647; PubMed 17701892; PubMed 10486319; PubMed 11700157; PubMed 28944857.